The following is an entry in ClinVar:

NM_000238.4(KCNH2):c.2674C>G (p.Arg892Gly)

Gene: KCNH2 (potassium voltage-gated channel subfamily H member 2; minus strand). Cytogenetic location: 7q36.1.
Variant type: single nucleotide variant.
Coding change: c.2674C>G on transcript NM_000238.4 (MANE Select); coding-DNA position 2674, C replaced by G.
Protein change: p.Arg892Gly; replaces arginine 892 with glycine.
Molecular consequence: missense variant.
Genome position (GRCh38, 1-based): chr7:150,948,462, G>C on the plus strand (C>G on the coding strand, the complement: KCNH2 is on the minus strand). VCF-style: chr7-150948462-G-C. GRCh37 (hg19) VCF-style: chr7-150645550-G-C.
Other names: c.2386C>G, p.Arg796Gly (NM_001406753.1); c.1654C>G, p.Arg552Gly (NM_172057.3); short protein forms R552G, R892G, R796G.
Identifiers: ClinVar variation 1917678 (VCV001917678.5), dbSNP rs201627778, ClinGen allele CA033951.

ClinVar aggregate classification (germline): Uncertain significance (1 of 4 stars; one submission).

Conditions:
Long QT syndrome (LQTS). Identifiers: MedGen C0023976, MeSH D008133, MONDO:0002442. Disease mechanism: loss of function. Inheritance: Various modes of inheritance.

Submission:

Labcorp Genetics (formerly Invitae), Labcorp
Classification: Uncertain significance for Long QT syndrome. Last evaluated: 2021-12-01. Review status: criteria provided, single submitter. Criteria: Invitae Variant Classification Sherloc (09022015). Collection method: clinical testing. Allele origin: germline.
Comment: This variant is not present in population databases (gnomAD no frequency). This variant has not been reported in the literature in individuals affected with KCNH2-related conditions. Algorithms developed to predict the effect of missense changes on protein structure and function are either unavailable or do not agree on the potential impact of this missense change (SIFT: "Tolerated"; PolyPhen-2: "Possibly Damaging"; Align-GVGD: "Class C0"). In summary, the available evidence is currently insufficient to determine the role of this variant in disease. Therefore, it has been classified as a Variant of Uncertain Significance. This sequence change replaces arginine, which is basic and polar, with glycine, which is neutral and non-polar, at codon 892 of the KCNH2 protein (p.Arg892Gly).